The following is an entry in ClinVar:

NM_023036.6(DNAI2):c.316delinsCAGATGTGTATAGAG (p.Tyr106fs)

Gene: DNAI2 (dynein axonemal intermediate chain 2; plus strand). Cytogenetic location: 17q25.1.
Variant type: Indel.
Coding change: c.316delinsCAGATGTGTATAGAG on transcript NM_023036.6 (MANE Select); coding-DNA position 316, T replaced by CAGATGTGTATAGAG.
Protein change: p.Tyr106fs; shifts the reading frame from tyrosine 106.
Molecular consequence: frameshift variant. On other transcripts: non-coding transcript variant (1).
Genome position (GRCh38, 1-based): chr17:74,285,172, T replaced by CAGATGTGTATAGAG. VCF-style: chr17-74285172-T-CAGATGTGTATAGAG. GRCh37 (hg19) VCF-style: chr17-72281311-T-CAGATGTGTATAGAG.
Other names: c.316delinsCAGATGTGTATAGAG, p.Tyr106fs (NM_001172810.3, NM_001353167.2); short protein forms Y106fs.
Identifiers: ClinVar variation 5010765 (VCV005010765.1).

ClinVar aggregate classification (germline): Pathogenic (1 of 4 stars; one submission).

Conditions:
Primary ciliary dyskinesia 9. Also called: CILIARY DYSKINESIA, PRIMARY, 9, WITH OR WITHOUT SITUS INVERSUS. Identifiers: Orphanet 244, MedGen C2676235, MONDO:0012906, OMIM 612444.

Submission:

Myriad Genetics, Inc.
Classification: Pathogenic for Primary ciliary dyskinesia 9. Last evaluated: 2024-05-14. Review status: criteria provided, single submitter. Criteria: Myriad Autosomal Dominant, Autosomal Recessive and X-Linked Classification Criteria (2023). Collection method: clinical testing. Allele origin: unknown.
Comment: NM_023036.4(DNAI2):c.316del1ins15(Y106Qfs*42) is expected to be pathogenic in the context of primary ciliary dyskinesia, DNAI2-related. This variant is predicted to lead to an abnormal or absent protein product due to the creation of a premature termination codon in DNAI2, a gene where loss-of-function variants are known to be pathogenic. Please note: this variant was assessed in the context of healthy population screening.